The following is an entry in ClinVar:

ClinVar aggregate classification (germline): Likely pathogenic (1 of 4 stars; one submission).

Submission:

ARUP Laboratories, Molecular Genetics and Genomics, ARUP Laboratories
Classification: Likely pathogenic. Last evaluated: 2023-09-22. Review status: criteria provided, single submitter. Criteria: ARUP Molecular Germline Variant Investigation Process 2024. Collection method: clinical testing. Allele origin: germline.
Comment: The AARS1 c.14dup; p.Thr6AsnfsTer4 variant, to our knowledge, is not reported in the medical literature or gene specific databases. This variant is also absent from the Genome Aggregation Database, indicating it is not a common polymorphism. This variant causes a frameshift by inserting a single nucleotide, so it is predicted to result in a truncated protein or mRNA subject to nonsense-mediated decay. Additionally, several downstream truncating variants have been described in individuals with autosomal recessive epileptic encephalopathy and are considered pathogenic (Helman 2021, Nakayama 2017). Based on available information, this variant is considered to be likely pathogenic. References: Helman G et al. Expanded phenotype of AARS1-related white matter disease. Genet Med. 2021 Dec;23(12):2352-2359. PMID: 34446925. Nakayama T et al. Deficient activity of alanyl-tRNA synthetase underlies an autosomal recessive syndrome of progressive microcephaly, hypomyelination, and epileptic encephalopathy. Hum Mutat. 2017 Oct;38(10):1348-1354. PMID: 28493438.

NM_001605.3(AARS1):c.14dup (p.Thr6fs)

Gene: AARS1 (alanyl-tRNA synthetase 1; minus strand). Cytogenetic location: 16q22.1.
Variant type: Duplication.
Coding change: c.14dup on transcript NM_001605.3 (MANE Select); coding-DNA position 14, one base duplicated (T; older notation c.14dupT).
Protein change: p.Thr6fs; shifts the reading frame from threonine 6.
Molecular consequence: frameshift variant.
Genome position (GRCh38, 1-based): chr16:70,282,750, A duplicated on the plus strand (T on the coding strand, the reverse complement: AARS1 is on the minus strand). VCF-style (leftmost placement, unchanged base first): chr16-70282749-T-TA. GRCh37 (hg19) VCF-style: chr16-70316652-T-TA.
Other names: short protein forms T6fs.
Identifiers: ClinVar variation 2921218 (VCV002921218.1), dbSNP rs2507037782, ClinGen allele CA2739266876.
Genomic context (GRCh38, chr16:70,282,749, plus strand): 5'-ATACGTATGCTCGTTCCTCTTGAAGAAATCTATAAATCGCTGCCGGATTTCACTTGCTGT[T>TA]AGAGTAGAGTCCATCTTGAAAGTCACCCCAAAGAACTAATCAAAGAAAAAAAAATGAAGG-3'